The following is an entry in ClinVar:

ClinVar aggregate classification (germline): Uncertain significance. Review status: criteria provided, multiple submitters, no conflicts (2 of 4 stars). 2 submissions from 2 submitters: Uncertain significance (2). Last evaluated 2021-10-08.

Conditions:
Cystic fibrosis (CF). Also called: MUCOVISCIDOSIS. Identifiers: Orphanet 586, MedGen C0010674, MONDO:0009061, OMIM 219700. Disease mechanism: loss of function.

Submissions (2):

Labcorp Genetics (formerly Invitae), Labcorp
Classification: Uncertain significance for Cystic fibrosis. Last evaluated: 2021-10-08. Review status: criteria provided, single submitter. Criteria: Invitae Variant Classification Sherloc (09022015). Collection method: clinical testing. Allele origin: germline.
Comment: This sequence change replaces methionine with arginine at codon 1354 of the CFTR protein (p.Met1354Arg). The methionine residue is moderately conserved and there is a moderate physicochemical difference between methionine and arginine. In summary, the available evidence is currently insufficient to determine the role of this variant in disease. Therefore, it has been classified as a Variant of Uncertain Significance. Algorithms developed to predict the effect of missense changes on protein structure and function are either unavailable or do not agree on the potential impact of this missense change (SIFT: "Deleterious"; PolyPhen-2: "Benign"; Align-GVGD: "Class C25"). ClinVar contains an entry for this variant (Variation ID: 618956). This variant has not been reported in the literature in individuals affected with CFTR-related conditions. This variant is not present in population databases (ExAC no frequency).

Mendelics
Classification: Uncertain significance for Cystic fibrosis. Last evaluated: 2018-11-05. Review status: criteria provided, single submitter. Criteria: Mendelics Assertion Criteria 2017. Collection method: clinical testing. Allele origin: unknown. Affected: yes.

NM_000492.4(CFTR):c.4061T>G (p.Met1354Arg)

Gene: CFTR (CF transmembrane conductance regulator; plus strand). Cytogenetic location: 7q31.2.
Variant type: single nucleotide variant.
Coding change: c.4061T>G on transcript NM_000492.4 (MANE Select); coding-DNA position 4061, T replaced by G.
Protein change: p.Met1354Arg; replaces methionine 1354 with arginine.
Molecular consequence: missense variant.
Genome position (GRCh38, 1-based): chr7:117,664,785, T>G. VCF-style: chr7-117664785-T-G. GRCh37 (hg19) VCF-style: chr7-117304839-T-G.
Other names: short protein forms M1354R.
Identifiers: ClinVar variation 618956 (VCV000618956.7), dbSNP rs755993775, ClinGen allele CA368982635.
Genomic context (GRCh38, chr7:117,664,785, plus strand): 5'-AGCTTGACTTTGTCCTTGTGGATGGGGGCTGTGTCCTAAGCCATGGCCACAAGCAGTTGA[T>G]GTGCTTGGCTAGATCTGTTCTCAGTAAGGCGAAGATCTTGCTGCTTGATGAACCCAGTGC-3'
Protein context (NP_000483.3, residues 1344-1364): CVLSHGHKQL[Met1354Arg]CLARSVLSKA